The following is an entry in ClinVar:

NM_004656.4(BAP1):c.458C>T (p.Pro153Leu)

Gene: BAP1 (BRCA1 associated deubiquitinase 1; minus strand). Cytogenetic location: 3p21.1.
Variant type: single nucleotide variant.
Coding change: c.458C>T on transcript NM_004656.4 (MANE Select); coding-DNA position 458, C replaced by T.
Protein change: p.Pro153Leu; replaces proline 153 with leucine.
Molecular consequence: missense variant.
Genome position (GRCh38, 1-based): chr3:52,407,296, G>A on the plus strand (C>T on the coding strand, the complement: BAP1 is on the minus strand). VCF-style: chr3-52407296-G-A. GRCh37 (hg19) VCF-style: chr3-52441312-G-A.
Other names: short protein forms P153L.
Identifiers: ClinVar variation 922694 (VCV000922694.5), dbSNP rs1306568192, ClinGen allele CA353110312.

ClinVar aggregate classification (germline): Uncertain significance (1 of 4 stars; one submission).

Conditions:
Hereditary cancer-predisposing syndrome. Also called: Neoplastic Syndromes, Hereditary; Tumor predisposition; Hereditary Cancer Syndrome; Hereditary neoplastic syndrome. Identifiers: Orphanet 140162, MedGen C0027672, MeSH D009386, MONDO:0015356.

Submission:

Color Diagnostics, LLC DBA Color Health
Classification: Uncertain significance for Hereditary cancer-predisposing syndrome. Last evaluated: 2023-12-04. Review status: criteria provided, single submitter. Criteria: ACMG Guidelines, 2015. Collection method: clinical testing. Allele origin: germline.
Comment: This missense variant replaces proline with leucine at codon 153 of the BAP1 protein. Computational prediction tools and conservation analyses are inconclusive regarding the impact of this variant on protein structure and function. Splice site prediction tools suggest that this variant may not impact RNA splicing. To our knowledge, functional studies have not been performed for this variant. This variant has not been reported in individuals affected with hereditary cancer in the literature. This variant has not been identified in the general population by the Genome Aggregation Database (gnomAD). The available evidence is insufficient to determine the role of this variant in disease conclusively. Therefore, this variant is classified as a Variant of Uncertain Significance.